The following is an entry in ClinVar:

NM_024809.5(TCTN2):c.1910A>T (p.Tyr637Phe)

Gene: TCTN2 (tectonic family member 2; plus strand). Cytogenetic location: 12q24.31.
Variant type: single nucleotide variant.
Coding change: c.1910A>T on transcript NM_024809.5 (MANE Select); coding-DNA position 1910, A replaced by T.
Protein change: p.Tyr637Phe; replaces tyrosine 637 with phenylalanine.
Molecular consequence: missense variant.
Genome position (GRCh38, 1-based): chr12:123,706,999, A>T. VCF-style: chr12-123706999-A-T. GRCh37 (hg19) VCF-style: chr12-124191546-A-T.
Other names: c.1907A>T, p.Tyr636Phe (NM_001143850.3); c.1775A>T, p.Tyr592Phe (NM_001410989.1); short protein forms Y637F, Y592F, Y636F.
Identifiers: ClinVar variation 2201535 (VCV002201535.2), dbSNP rs988198782, ClinGen allele CA245171349.

ClinVar aggregate classification (germline): Uncertain significance (1 of 4 stars; one submission).

Conditions:
Joubert syndrome. Also called: CEREBELLOPARENCHYMAL DISORDER IV; JOUBERT-BOLTSHAUSER SYNDROME; Familial aplasia of the vermis. Identifiers: Orphanet 475, MedGen C5979921, MONDO:0018772.
Meckel-Gruber syndrome. Also called: DYSENCEPHALIA SPLANCHNOCYSTICA; GRUBER SYNDROME; Dysencephalia splachnocystica. Identifiers: Orphanet 564, MedGen C0265215, MONDO:0018921.

Allele frequency attached by ClinVar (database versions not stated): gnomAD exomes 0.00001; TOPMed 0.00002; gnomAD 0.00003.

Submission:

Labcorp Genetics (formerly Invitae), Labcorp
Classification: Uncertain significance for Joubert syndrome; Meckel-Gruber syndrome. Last evaluated: 2026-01-12. Review status: criteria provided, single submitter. Criteria: Invitae Variant Classification Sherloc (09022015). Collection method: clinical testing. Allele origin: germline.
Comment: This sequence change replaces tyrosine, which is neutral and polar, with phenylalanine, which is neutral and non-polar, at codon 637 of the TCTN2 protein (p.Tyr637Phe). This variant is present in population databases (no rsID available, gnomAD 0.009%). This variant has not been reported in the literature in individuals affected with TCTN2-related conditions. ClinVar contains an entry for this variant (Variation ID: 2201535). Invitae Evidence Modeling of protein sequence and biophysical properties (such as structural, functional, and spatial information, amino acid conservation, physicochemical variation, residue mobility, and thermodynamic stability) indicates that this missense variant is not expected to disrupt TCTN2 protein function with a negative predictive value of 80%. In summary, the available evidence is currently insufficient to determine the role of this variant in disease. Therefore, it has been classified as a Variant of Uncertain Significance.